The following is an entry in ClinVar:

ClinVar aggregate classification (germline): Uncertain significance. Review status: criteria provided, multiple submitters, no conflicts (2 of 4 stars). 2 submissions from 2 submitters: Uncertain significance (2). Last evaluated 2026-04-03.

Conditions:
Hereditary cancer-predisposing syndrome. Also called: Hereditary Cancer Syndrome; Neoplastic Syndromes, Hereditary; Tumor predisposition; Hereditary neoplastic syndrome. Identifiers: Orphanet 140162, MedGen C0027672, MeSH D009386, MONDO:0015356.

Submissions (2):

Ambry Genetics
Classification: Uncertain significance for Hereditary cancer-predisposing syndrome. Last evaluated: 2026-04-03. Review status: criteria provided, single submitter. Criteria: Ambry Variant Classification Scheme 2023. Collection method: clinical testing. Allele origin: germline.
Comment: The c.6628_6630delAAG variant (also known as p.K2210del) is located in coding exon 47 of the POLE gene. This variant results from an in-frame AAG deletion at nucleotide positions 6628 to 6630. This results in the in-frame deletion of a lysine at codon 2210. This amino acid position is highly conserved in available vertebrate species. Based on the available evidence, the clinical significance of this variant remains unclear.

Labcorp Genetics (formerly Invitae), Labcorp
Classification: Uncertain significance. Last evaluated: 2020-09-01. Review status: criteria provided, single submitter. Criteria: Invitae Variant Classification Sherloc (09022015). Collection method: clinical testing. Allele origin: germline.
Comment: In summary, the available evidence is currently insufficient to determine the role of this variant in disease. Therefore, it has been classified as a Variant of Uncertain Significance. Experimental studies and prediction algorithms are not available or were not evaluated for this variant, and the functional significance of this variant is currently unknown. This variant has not been reported in the literature in individuals with POLE-related conditions. This variant is present in population databases (rs749852259, ExAC 0.006%). This variant, c.6628_6630del, results in the deletion of 1 amino acid(s) of the POLE protein (p.Lys2210del), but otherwise preserves the integrity of the reading frame.

NM_006231.4(POLE):c.6625AAG[1] (p.Lys2210del)

Gene: POLE (DNA polymerase epsilon, catalytic subunit; minus strand). Cytogenetic location: 12q24.33.
Variant type: Microsatellite.
Coding change: c.6625AAG[1] on transcript NM_006231.4 (MANE Select); one copy of the 3-base unit AAG starting at c.6625; the reference has two copies in a row; one copy, 3 bases deleted.
Protein change: p.Lys2210del; deletes lysine 2210.
Molecular consequence: inframe deletion.
Genome position (GRCh38, 1-based): chr12:132,625,672-132,625,674, CTT deleted on the plus strand (AAG on the coding strand, the reverse complement: POLE is on the minus strand); deleting any 3 consecutive bases within chr12:132,625,672-132,625,679 gives the same sequence; the position shown is the placement nearest the transcript's 3' end. VCF-style (leftmost placement, unchanged base first): chr12-132625671-GCTT-G. GRCh37 (hg19) VCF-style: chr12-133202257-GCTT-G.
Other names: c.6628_6630delAAG (NM_006231.2); short protein forms K2210del.
Identifiers: ClinVar variation 963116 (VCV000963116.10), dbSNP rs749852259, ClinGen allele CA6892117.